The following is an entry in ClinVar:

ClinVar aggregate classification (germline): Uncertain significance (1 of 4 stars; one submission).

Conditions:
Martsolf syndrome (MARTS). Also called: Congenital cataract with intellectual disability and hypogonadotropic hypogonadism syndrome. Identifiers: Orphanet 1387, MedGen C0796037, MONDO:0023910.
Warburg micro syndrome 2 (WARBM2). Also called: MICRO SYNDROME 2. Identifiers: Orphanet 2510, MedGen C3280214, MONDO:0013641, OMIM 614225.

Allele frequency attached by ClinVar (database versions not stated): gnomAD 0.00001; TOPMed 0.00002; ExAC 0.00003.
gnomAD v4.1: 25 of 1,613,172 alleles (0.0015%); highest among the groups gnomAD compares: Non-Finnish European, 0.002%; no homozygotes.

Submission:

Labcorp Genetics (formerly Invitae), Labcorp
Classification: Uncertain significance for Martsolf syndrome; Warburg micro syndrome 2. Last evaluated: 2022-05-08. Review status: criteria provided, single submitter. Criteria: Invitae Variant Classification Sherloc (09022015). Collection method: clinical testing. Allele origin: germline.
Comment: This sequence change replaces aspartic acid, which is acidic and polar, with glycine, which is neutral and non-polar, at codon 1105 of the RAB3GAP2 protein (p.Asp1105Gly). This variant is present in population databases (rs775333082, gnomAD 0.004%). This variant has not been reported in the literature in individuals affected with RAB3GAP2-related conditions. Algorithms developed to predict the effect of missense changes on protein structure and function (SIFT, PolyPhen-2, Align-GVGD) all suggest that this variant is likely to be tolerated. In summary, the available evidence is currently insufficient to determine the role of this variant in disease. Therefore, it has been classified as a Variant of Uncertain Significance.

NM_012414.4(RAB3GAP2):c.3314A>G (p.Asp1105Gly)

Gene: RAB3GAP2 (RAB3 GTPase activating non-catalytic protein subunit 2; minus strand). Cytogenetic location: 1q41.
Variant type: single nucleotide variant.
Coding change: c.3314A>G on transcript NM_012414.4 (MANE Select); coding-DNA position 3314, A replaced by G.
Protein change: p.Asp1105Gly; replaces aspartic acid 1105 with glycine.
Molecular consequence: missense variant.
Genome position (GRCh38, 1-based): chr1:220,157,824, T>C on the plus strand (A>G on the coding strand, the complement: RAB3GAP2 is on the minus strand). VCF-style: chr1-220157824-T-C. GRCh37 (hg19) VCF-style: chr1-220331166-T-C.
Other names: short protein forms D1105G.
Identifiers: ClinVar variation 2057659 (VCV002057659.2), dbSNP rs775333082, ClinGen allele CA1402164.